The following is an entry in ClinVar:

ClinVar aggregate classification (germline): Uncertain significance (1 of 4 stars; one submission).

Conditions:
Leigh syndrome (NULS). Also called: Leigh's necrotizing encephalopathy; Leigh's disease; Leigh Syndrome (mtDNA deletion); Leigh Disease; Subacute necrotizing encephalopathy; Necrotizing encephalopathy infantile subacute of Leigh. Identifiers: Orphanet 506, MedGen C2931891, MONDO:0009723, OMIM 256000.

Submission:

Wong Mito Lab, Molecular and Human Genetics, Baylor College of Medicine
Classification: Uncertain significance for Leigh syndrome. Last evaluated: 2019-10-17. Review status: criteria provided, single submitter. Criteria: Modified ACMG Guidelines (Unpublished). Collection method: clinical testing. Allele origin: germline.
Comment: The NC_012920.1:m.5907T>C (YP_003024028.1:p.Phe2Leu) variant in MTCO1 gene is interpretated to be a Uncertain Significance variant based on the modified ACMG guidelines (unpublished). This variant meets the following evidence codes: BP4

NC_012920.1(MT-CO1):m.5907T>C

Gene: MT-CO1 (mitochondrially encoded cytochrome c oxidase I; plus strand).
Variant type: single nucleotide variant.
Genome position: chrM-5907-T-C.
Identifiers: ClinVar variation 692598 (VCV000692598.1), dbSNP rs1603220176, ClinGen allele CA414780753.